The following is an entry in ClinVar:

NM_020297.4(ABCC9):c.3299C>T (p.Thr1100Ile)

Gene: ABCC9 (ATP binding cassette subfamily C member 9; minus strand). Cytogenetic location: 12p12.1.
Variant type: single nucleotide variant.
Coding change: c.3299C>T on transcript NM_020297.4 (MANE Select); coding-DNA position 3299, C replaced by T.
Protein change: p.Thr1100Ile; replaces threonine 1100 with isoleucine.
Molecular consequence: missense variant.
Genome position (GRCh38, 1-based): chr12:21,844,499, G>A on the plus strand (C>T on the coding strand, the complement: ABCC9 is on the minus strand). VCF-style: chr12-21844499-G-A. GRCh37 (hg19) VCF-style: chr12-21997433-G-A.
Other names: c.3299C>T, p.Thr1100Ile (NM_001377273.1, NM_005691.4); c.2432C>T, p.Thr811Ile (NM_001377274.1); short protein forms T1100I, T811I.
Identifiers: ClinVar variation 191585 (VCV000191585.1), dbSNP rs201358406, ClinGen allele CA236983.

ClinVar aggregate classification (germline): Uncertain significance (1 of 4 stars; one submission).

Submission:

Biesecker Lab/Clinical Genomics Section, National Institutes of Health
Classification: Uncertain significance. Last evaluated: 2013-06-24. Review status: criteria provided, single submitter. Criteria: Ng et al. (Circ Cardiovasc Genet. 2013). Collection method: research. Allele origin: unknown. Observed: 1 variant allele. Study: ClinSeq.
Comment: The study set was not selected for affection status in relation to any cancer. Pathogenicity categories were based on literature curation. See Pubmed ID:23861362 for details.

Medical sequencing